The following is an entry in ClinVar:

NM_000394.4(CRYAA):c.17A>G (p.Gln6Arg)

Gene: CRYAA (crystallin alpha A; plus strand). Cytogenetic location: 21q22.3.
Variant type: single nucleotide variant.
Coding change: c.17A>G on transcript NM_000394.4 (MANE Select); coding-DNA position 17, A replaced by G.
Protein change: p.Gln6Arg; replaces glutamine 6 with arginine.
Molecular consequence: missense variant.
Genome position (GRCh38, 1-based): chr21:43,169,116, A>G. VCF-style: chr21-43169116-A-G. GRCh37 (hg19) VCF-style: chr21-44589226-A-G.
Other names: short protein forms Q6R.
Identifiers: ClinVar variation 4728821 (VCV004728821.1).

ClinVar aggregate classification (germline): Uncertain significance (1 of 4 stars; one submission).

Conditions:
Cataract 9 multiple types. Also called: Cataract 9, multiple types, with or without microcornea; Cataract, autosomal recessive congenital 1. Identifiers: Orphanet 1377, MedGen C1858679, MONDO:0011413, OMIM 604219.

gnomAD v4.1: 1 of 1,041,622 alleles (0.000096%); highest among the groups gnomAD compares: East Asian, 0.0023%; no homozygotes.

Submission:

Labcorp Genetics (formerly Invitae), Labcorp
Classification: Uncertain significance for Cataract 9 multiple types. Last evaluated: 2025-10-23. Review status: criteria provided, single submitter. Criteria: Invitae Variant Classification Sherloc (09022015). Collection method: clinical testing. Allele origin: germline.
Comment: This sequence change replaces glutamine, which is neutral and polar, with arginine, which is basic and polar, at codon 6 of the CRYAA protein (p.Gln6Arg). This variant is present in population databases (no rsID available, gnomAD 0.006%). This variant has not been reported in the literature in individuals affected with CRYAA-related conditions. An algorithm developed to predict the effect of missense changes on protein structure and function (PolyPhen-2) suggests that this variant is likely to be disruptive. In summary, the available evidence is currently insufficient to determine the role of this variant in disease. Therefore, it has been classified as a Variant of Uncertain Significance.